The following is an entry in ClinVar:

ClinVar aggregate classification (germline): Uncertain significance. Review status: criteria provided, multiple submitters, no conflicts (2 of 4 stars). 2 submissions from 2 submitters: Uncertain significance (2). Last evaluated 2026-09-01.

Conditions:
Charcot-Marie-Tooth disease type 4. Also called: Charcot-Marie-Tooth, Type 4; Charcot-Marie-Tooth disease, type IV. Identifiers: Orphanet 64749, MedGen C4082197, MONDO:0018995.

Allele frequency attached by ClinVar (database versions not stated): gnomAD 0.00001; TOPMed 0.00001; ExAC 0.00002; gnomAD exomes 0.00002.

Submissions (2):

CeGaT Center for Human Genetics Tuebingen
Classification: Uncertain significance. Last evaluated: 2026-09-01. Review status: criteria provided, single submitter. Criteria: CeGaT Center For Human Genetics Tuebingen Variant Classification Criteria Version 2. Collection method: clinical testing. Allele origin: germline. Affected: yes. Observed: 1 variant allele.
Comment: SH3TC2: PM2

Labcorp Genetics (formerly Invitae), Labcorp
Classification: Uncertain significance for Charcot-Marie-Tooth disease type 4. Last evaluated: 2022-04-11. Review status: criteria provided, single submitter. Criteria: Invitae Variant Classification Sherloc (09022015). Collection method: clinical testing. Allele origin: germline.
Comment: This sequence change replaces arginine, which is basic and polar, with tryptophan, which is neutral and slightly polar, at codon 536 of the SH3TC2 protein (p.Arg536Trp). This variant is present in population databases (rs777043032, gnomAD 0.005%). This variant has not been reported in the literature in individuals affected with SH3TC2-related conditions. ClinVar contains an entry for this variant (Variation ID: 1052214). Advanced modeling of protein sequence and biophysical properties (such as structural, functional, and spatial information, amino acid conservation, physicochemical variation, residue mobility, and thermodynamic stability) performed at Invitae indicates that this missense variant is expected to disrupt SH3TC2 protein function. In summary, the available evidence is currently insufficient to determine the role of this variant in disease. Therefore, it has been classified as a Variant of Uncertain Significance.

NM_024577.4(SH3TC2):c.1606C>T (p.Arg536Trp)

Gene: SH3TC2 (SH3 domain and tetratricopeptide repeats 2; minus strand). Cytogenetic location: 5q32.
Variant type: single nucleotide variant.
Coding change: c.1606C>T on transcript NM_024577.4 (MANE Select); coding-DNA position 1606, C replaced by T.
Protein change: p.Arg536Trp; replaces arginine 536 with tryptophan.
Molecular consequence: missense variant.
Genome position (GRCh38, 1-based): chr5:149,028,126, G>A on the plus strand (C>T on the coding strand, the complement: SH3TC2 is on the minus strand). VCF-style: chr5-149028126-G-A. GRCh37 (hg19) VCF-style: chr5-148407689-G-A.
Other names: short protein forms R536W.
Identifiers: ClinVar variation 1052214 (VCV001052214.7), dbSNP rs777043032, ClinGen allele CA3499151.
Genomic context (GRCh38, chr5:149,028,126, plus strand): 5'-GGATGGCCTCCTCGAAGTACACCCTGGCCTGAGAGAGTTTGACCTTCCTGATGCTCAGCC[G>A]GCCCAGGAGGAAGCAGAGACGGGCATGGGCCCAGGTCATGTGGCTCTTCTTGGCCCACTT-3'
Protein context (NP_078853.2, residues 526-546): AHARLCFLLG[Arg536Trp]LSIRKVKLSQ